The following is an entry in ClinVar:

NM_022788.5(P2RY12):c.460T>C (p.Leu154=)

Genes: MED12L (mediator complex subunit 12L; plus strand), P2RY12 (purinergic receptor P2Y12; minus strand). Cytogenetic location: 3q25.1.
Variant type: single nucleotide variant.
Coding change: c.460T>C on transcript NM_022788.5 (MANE Select); coding-DNA position 460, T replaced by C.
Protein change: p.Leu154=; no amino-acid change (leucine 154 retained).
Molecular consequence: synonymous variant. On other transcripts: intron variant (2).
Genome position (GRCh38, 1-based): chr3:151,338,386, A>G on the plus strand (T>C on the coding strand, the complement: P2RY12 is on the minus strand). VCF-style: chr3-151338386-A-G. GRCh37 (hg19) VCF-style: chr3-151056174-A-G.
Other names: p.Leu154=; c.460T>C, p.Leu154= (NM_176876.3); c.2251-11673A>G (NM_001393769.1); c.2146-11673A>G (NM_053002.6).
Identifiers: ClinVar variation 783314 (VCV000783314.23), dbSNP rs62283053, ClinGen allele CA2667860.

ClinVar aggregate classification (germline): Benign/Likely benign. Review status: criteria provided, multiple submitters, no conflicts (2 of 4 stars). 4 submissions from 4 submitters: Benign (2); Likely benign (2). Last evaluated 2026-09-01.

Allele frequency attached by ClinVar (database versions not stated): 1000 Genomes Project 30x 0.00141; 1000 Genomes Project 0.00180; gnomAD 0.00200 and 0.00214; TOPMed 0.00207; gnomAD exomes 0.00230 and 0.00348; ESP Exome Variant Server 0.00246; ExAC 0.00259.
gnomAD v4.1: 5,402 of 1,614,176 alleles (0.33%); highest among the groups gnomAD compares: South Asian, 0.43%; 20 homozygotes.

Submissions (4):

CeGaT Center for Human Genetics Tuebingen
Classification: Likely benign. Last evaluated: 2026-09-01. Review status: criteria provided, single submitter. Criteria: CeGaT Center For Human Genetics Tuebingen Variant Classification Criteria Version 2. Collection method: clinical testing. Allele origin: germline. Affected: yes. Observed: 3 variant alleles.
Comment: P2RY12: BP4, BP7, BS2

Labcorp Genetics (formerly Invitae), Labcorp
Classification: Benign. Last evaluated: 2026-01-26. Review status: criteria provided, single submitter. Criteria: Invitae Variant Classification Sherloc (09022015). Collection method: clinical testing. Allele origin: germline.

Blueprint Genetics
Classification: Likely benign. Last evaluated: 2024-11-26. Review status: criteria provided, single submitter. Criteria: ACMG Guidelines, 2015. Collection method: clinical testing. Allele origin: germline.

Mayo Clinic Laboratories, Mayo Clinic
Classification: Benign. Last evaluated: 2024-01-23. Review status: criteria provided, single submitter. Criteria: ACMG Guidelines, 2015. Collection method: clinical testing. Allele origin: germline. Observed: 6 variant alleles.
Comment: BS1, BS2, BP4, BP7